The following is an entry in ClinVar:

NM_017617.5(NOTCH1):c.2666G>T (p.Gly889Val)

Gene: NOTCH1 (notch receptor 1; minus strand). Cytogenetic location: 9q34.3.
Variant type: single nucleotide variant.
Coding change: c.2666G>T on transcript NM_017617.5 (MANE Select); coding-DNA position 2666, G replaced by T.
Protein change: p.Gly889Val; replaces glycine 889 with valine.
Molecular consequence: missense variant.
Genome position (GRCh38, 1-based): chr9:136,510,727, C>A on the plus strand (G>T on the coding strand, the complement: NOTCH1 is on the minus strand). VCF-style: chr9-136510727-C-A. GRCh37 (hg19) VCF-style: chr9-139405179-C-A.
Other names: c.2666G>T, p.Gly889Val (LRG_1122t1); short protein forms G889V.
Identifiers: ClinVar variation 544186 (VCV000544186.8), dbSNP rs1554728783, ClinGen allele CA375554909.

ClinVar aggregate classification (germline): Uncertain significance (1 of 4 stars; one submission).

Conditions:
Adams-Oliver syndrome 5 (AOS5). Identifiers: Orphanet 974, MedGen C4014970, MONDO:0014459, OMIM 616028.

Submission:

Labcorp Genetics (formerly Invitae), Labcorp
Classification: Uncertain significance for Adams-Oliver syndrome 5. Last evaluated: 2024-09-29. Review status: criteria provided, single submitter. Criteria: Invitae Variant Classification Sherloc (09022015). Collection method: clinical testing. Allele origin: germline.
Comment: This sequence change replaces glycine, which is neutral and non-polar, with valine, which is neutral and non-polar, at codon 889 of the NOTCH1 protein (p.Gly889Val). This variant is not present in population databases (gnomAD no frequency). This variant has not been reported in the literature in individuals affected with NOTCH1-related conditions. ClinVar contains an entry for this variant (Variation ID: 544186). Invitae Evidence Modeling of protein sequence and biophysical properties (such as structural, functional, and spatial information, amino acid conservation, physicochemical variation, residue mobility, and thermodynamic stability) has been performed for this missense variant. However, the output from this modeling did not meet the statistical confidence thresholds required to predict the impact of this variant on NOTCH1 protein function. In summary, the available evidence is currently insufficient to determine the role of this variant in disease. Therefore, it has been classified as a Variant of Uncertain Significance.